The following is an entry in ClinVar:

NM_005506.4(SCARB2):c.1260_1261dup (p.Thr421fs)

Gene: SCARB2 (scavenger receptor class B member 2; minus strand). Cytogenetic location: 4q21.1.
Variant type: Microsatellite.
Coding change: c.1260_1261dup on transcript NM_005506.4 (MANE Select); coding-DNA positions 1260 to 1261, 2 bases duplicated (GA; older notation c.1260_1261dupGA).
Protein change: p.Thr421fs; shifts the reading frame from threonine 421.
Molecular consequence: frameshift variant.
Genome position (GRCh38, 1-based): chr4:76,163,362-76,163,363, TC duplicated on the plus strand (GA on the coding strand, the reverse complement: SCARB2 is on the minus strand); duplicating any 2 consecutive bases within chr4:76,163,362-76,163,366 gives the same sequence; the c. name uses the placement nearest the transcript's 3' end. VCF-style (leftmost placement, unchanged base first): chr4-76163361-G-GTC. GRCh37 (hg19) VCF-style: chr4-77084514-G-GTC.
Other names: c.831_832dup, p.Thr278fs (NM_001204255.2); short protein forms T278fs, T421fs.
Identifiers: ClinVar variation 2005737 (VCV002005737.4), dbSNP rs2476210936, ClinGen allele CA2580616112.
Genomic context (GRCh38, chr4:76,163,361, plus strand): 5'-ATGTAGGGTATGTTGGTGATGATCAAAGTAGTGTTAATCATAGACTTCAGTCGACTCGCC[G>GTC]TCTCTTTATCAATGTGAACACTCTGGAGAGGCAAGAAAATAGTATTCTTGATGACTAAAC-3'

ClinVar aggregate classification (germline): Pathogenic (1 of 4 stars; one submission).

Conditions:
Progressive myoclonic epilepsy. Also called: Familial progressive myoclonic epilepsy; Progressive myoclonus epilepsy; Myoclonus epilepsy; Myoclonic Epilepsies, Progressive. Identifiers: Orphanet 308, Orphanet 98261, MedGen C0751778, MONDO:0020074.

Submission:

Labcorp Genetics (formerly Invitae), Labcorp
Classification: Pathogenic for Progressive myoclonic epilepsy. Last evaluated: 2022-06-13. Review status: criteria provided, single submitter. Criteria: Invitae Variant Classification Sherloc (09022015). Collection method: clinical testing. Allele origin: germline.
Comment: This sequence change creates a premature translational stop signal (p.Thr421Argfs*6) in the SCARB2 gene. It is expected to result in an absent or disrupted protein product. Loss-of-function variants in SCARB2 are known to be pathogenic (PMID: 19847901). This variant is not present in population databases (gnomAD no frequency). This variant has not been reported in the literature in individuals affected with SCARB2-related conditions. For these reasons, this variant has been classified as Pathogenic.

Literature cited by the submitters: PubMed 19847901.